The following is an entry in ClinVar:

ClinVar aggregate classification (germline): Uncertain significance (1 of 4 stars; one submission).

Allele frequency attached by ClinVar (database versions not stated): TOPMed 0.00002; gnomAD 0.00003 and 0.00004; gnomAD exomes 0.00003 and 0.00014; ExAC 0.00005.
gnomAD v4.1: 198 of 1,550,976 alleles (0.013%); highest among the groups gnomAD compares: Non-Finnish European, 0.017%; no homozygotes.

Submission:

Labcorp Genetics (formerly Invitae), Labcorp
Classification: Uncertain significance. Last evaluated: 2022-06-29. Review status: criteria provided, single submitter. Criteria: Invitae Variant Classification Sherloc (09022015). Collection method: clinical testing. Allele origin: germline.
Comment: This sequence change replaces isoleucine, which is neutral and non-polar, with threonine, which is neutral and polar, at codon 404 of the KPNA7 protein (p.Ile404Thr). This variant is present in population databases (rs771474188, gnomAD 0.008%). This variant has not been reported in the literature in individuals affected with KPNA7-related conditions. ClinVar contains an entry for this variant (Variation ID: 644070). Algorithms developed to predict the effect of missense changes on protein structure and function output the following: SIFT: "Tolerated"; PolyPhen-2: "Benign"; Align-GVGD: "Class C0". The threonine amino acid residue is found in multiple mammalian species, which suggests that this missense change does not adversely affect protein function. In summary, the available evidence is currently insufficient to determine the role of this variant in disease. Therefore, it has been classified as a Variant of Uncertain Significance.

NM_001145715.3(KPNA7):c.1211T>C (p.Ile404Thr)

Gene: KPNA7 (karyopherin subunit alpha 7; minus strand). Cytogenetic location: 7q22.1.
Variant type: single nucleotide variant.
Coding change: c.1211T>C on transcript NM_001145715.3 (MANE Select); coding-DNA position 1211, T replaced by C.
Protein change: p.Ile404Thr; replaces isoleucine 404 with threonine.
Molecular consequence: missense variant.
Genome position (GRCh38, 1-based): chr7:99,181,989, A>G on the plus strand (T>C on the coding strand, the complement: KPNA7 is on the minus strand). VCF-style: chr7-99181989-A-G. GRCh37 (hg19) VCF-style: chr7-98779612-A-G.
Other names: short protein forms I404T.
Identifiers: ClinVar variation 644070 (VCV000644070.6), dbSNP rs771474188, ClinGen allele CA4363128.